The following is an entry in ClinVar:

NM_198994.3(TGM6):c.1550T>G (p.Leu517Trp)

Gene: TGM6 (transglutaminase 6; plus strand). Cytogenetic location: 20p13.
Variant type: single nucleotide variant.
Coding change: c.1550T>G on transcript NM_198994.3 (MANE Select); coding-DNA position 1550, T replaced by G.
Protein change: p.Leu517Trp; replaces leucine 517 with tryptophan.
Molecular consequence: missense variant.
Genome position (GRCh38, 1-based): chr20:2,417,445, T>G. VCF-style: chr20-2417445-T-G. GRCh37 (hg19) VCF-style: chr20-2398091-T-G.
Other names: c.1550T>G, p.Leu517Trp (NM_001254734.2); short protein forms L517W.
Identifiers: ClinVar variation 31085 (VCV000031085.18), dbSNP rs387907097, ClinGen allele CA259991.

ClinVar aggregate classification (germline): Conflicting classifications of pathogenicity. Review status: criteria provided, conflicting classifications (1 of 4 stars). 7 submissions from 7 submitters: Uncertain significance (2); Likely benign (2). 3 of the submissions do not count toward it. Last evaluated 2025-12-01.

Conditions:
TGM6-related disorder. Also called: TGM6-related condition.
Spinocerebellar ataxia type 35. Identifiers: Orphanet 276193, MedGen C3888031, MONDO:0013485, OMIM 613908.
Acute myeloid leukemia (AML). Also called: Acute myeloid leukemia, adult; AML adult; Acute non-lymphocytic leukemia; Acute granulocytic leukemia; Leukemia, acute myeloid, somatic; Leukemia, acute myelogenous, somatic. Identifiers: Orphanet 519, MedGen C0023467, MeSH D015470, MONDO:0018874, OMIM 601626, HP:0004808. Disease mechanism: Constitutively activated FLT3.

Allele frequency attached by ClinVar (database versions not stated): gnomAD exomes 0.00003 and 0.00015; gnomAD 0.00006; TOPMed 0.00005; ExAC 0.00011; 1000 Genomes Project 30x 0.00016; 1000 Genomes Project 0.00020.
gnomAD v4.1: 53 of 1,612,302 alleles (0.0033%); highest among the groups gnomAD compares: East Asian, 0.11%; no homozygotes.

Submissions (7):

Labcorp Genetics (formerly Invitae), Labcorp
Classification: Likely benign. Last evaluated: 2025-12-01. Review status: criteria provided, single submitter. Criteria: Invitae Variant Classification Sherloc (09022015). Collection method: clinical testing. Allele origin: germline.

PreventionGenetics, part of Exact Sciences
Classification: Uncertain significance for TGM6-related condition. Last evaluated: 2025-02-28. Review status: criteria provided, single submitter. Criteria: ACMG Guidelines, 2015. Collection method: clinical testing. Allele origin: germline.
Comment: The TGM6 c.1550T>G variant is predicted to result in the amino acid substitution p.Leu517Trp. This variant has been reported to co-segregate with disease in multiple individuals from a family with spinocerebellar ataxia (Wang et al. 2010. PubMed ID: 21106500); however, this variant has also been reported in families lacking segregation with disease and in unaffected individuals (Yu et al. 2019. PubMed ID: 31920494; Chen et al. 2020. PubMed ID: 32426513; Cheng et al. 2021. PubMed ID: 33588035). This variant is reported in 0.20% of alleles in individuals of East Asian descent in gnomAD. In vitro experimental studies suggest this variant reduces protein stability, decreases transamidase activity, and leads to reduced cell viability (Guan et al. 2012. PubMed ID: 23206699; Tripathy et al. 2017. PubMed ID: 28934387; Chen et al. 2020. PubMed ID: 32259886). At this time, the clinical significance of this variant is uncertain due to the absence of conclusive functional and genetic evidence.

Athena Diagnostics
Classification: Likely benign. Last evaluated: 2023-10-16. Review status: criteria provided, single submitter. Criteria: Athena Diagnostics Criteria. Collection method: clinical testing. Allele origin: unknown.

Mendelics
Classification: Uncertain significance for Spinocerebellar ataxia type 35. Last evaluated: 2019-05-28. Review status: criteria provided, single submitter. Criteria: Mendelics Assertion Criteria 2017. Collection method: clinical testing. Allele origin: unknown.

Codex Genetics Limited
Classification: Pathogenic for Spinocerebellar ataxia 35. Last evaluated: 2019-02-28. Review status: no assertion criteria provided. Collection method: provider interpretation. Allele origin: germline. Affected: yes. Not counted in ClinVar's aggregate classification.

OMIM
Classification: Pathogenic for SPINOCEREBELLAR ATAXIA 35. Last evaluated: 2010-12-01. Review status: no assertion criteria provided. Collection method: literature only. Allele origin: germline. Not counted in ClinVar's aggregate classification.

Fujian Institute of Hematology, Fujian Medical University
Classification: Pathogenic for AML - Acute myeloid leukemia. Review status: no assertion criteria provided. Collection method: not provided. Allele origin: germline, inherited. Not counted in ClinVar's aggregate classification.
Comment: The variant was predicted to be deleterious and may be associated with familial acute myeloid leukemia. A genome-wide linkage scan using a 500K SNP genotyping array was conducted in an autosomal-dominant acute myeloid leukemia (AML) Chinese family with 11 cases in four generations and identified a previously unreported candidate region on 20p13 with a maximum multipoint heterogeneity LOD (HLOD) score of 3.56 (P=0.00005). Targeted NGS within this region and whole exome sequencing (WES) revealed an identical missense mutation in TGM6 (chr20, NC_000020.10:g.2398091T>G, NM_198994.2:c.1550T>G, p.(L517W)), which cosegregated with the phenotype in this family, and was absent in 530 healthy controls. The mutated amino acid was located in a highly conserved position, which was predicted to be deleterious by SIFT and Polyphen2 software. Our results support the candidacy of TGM6 as a novel familial AML-associated gene.
ClinVar note: Converted during submission from pathogenic to Pathogenic.

Literature cited by the submitters: PubMed 21106500 (cited by 3 submitters); PubMed 23206699 (cited by Athena Diagnostics); PubMed 24755948 (cited by Athena Diagnostics); PubMed 28934387 (cited by Athena Diagnostics); PubMed 32426513 (cited by Athena Diagnostics); PubMed 25253745 (cited by Athena Diagnostics); PubMed 30670339 (cited by Athena Diagnostics); PubMed 32259886 (cited by Athena Diagnostics); PubMed 30229425 (cited by Athena Diagnostics); PubMed 31920494 (cited by Athena Diagnostics).